The following is an entry in ClinVar:

NM_019098.5(CNGB3):c.1779del (p.Ser594fs)

Gene: CNGB3 (cyclic nucleotide gated channel subunit beta 3; minus strand). Cytogenetic location: 8q21.3.
Variant type: Deletion.
Coding change: c.1779del on transcript NM_019098.5 (MANE Select); coding-DNA position 1779, one base deleted (C; older notation c.1779delC).
Protein change: p.Ser594fs; shifts the reading frame from serine 594.
Molecular consequence: frameshift variant.
Genome position (GRCh38, 1-based): chr8:86,604,095, G deleted on the plus strand (C on the coding strand, the reverse complement: CNGB3 is on the minus strand). VCF-style (leftmost placement, unchanged base first): chr8-86604094-TG-T. GRCh37 (hg19) VCF-style: chr8-87616322-TG-T.
Other names: short protein forms S594fs.
Identifiers: ClinVar variation 5016263 (VCV005016263.1).
Genomic context (GRCh38, chr8:86,604,094, plus strand): 5'-AGACTTTTCTTTTATGACAAATGATGGACTTCAATATTTATGAAGTATCTTTCAGATACC[TG>T]ATTTCTCCAAACACCGACCCAGCTTTCAGAGTAACCAGAACTTTAGTACCATCAGGGCCT-3'

ClinVar aggregate classification (germline): Pathogenic (1 of 4 stars; one submission).

Conditions:
Achromatopsia 3 (ACHM3). Also called: ACHROMATOPSIA WITH MYOPIA; PINGELAPESE BLINDNESS; TOTAL COLORBLINDNESS WITH MYOPIA; ROD MONOCHROMACY 1; ROD MONOCHROMATISM 1. Identifiers: Orphanet 49382, MedGen C1849792, MONDO:0009875, OMIM 262300.

Submission:

Myriad Genetics, Inc.
Classification: Pathogenic for Achromatopsia 3. Last evaluated: 2026-08-21. Review status: criteria provided, single submitter. Criteria: Myriad Autosomal Dominant, Autosomal Recessive and X-Linked Classification Criteria (2023). Collection method: clinical testing. Allele origin: unknown.
Comment: NM_019098.4(CNGB3):c.1779delC(S594Afs*3) is expected to be pathogenic in the context of achromatopsia, CNGB3-related. This variant is predicted to lead to an abnormal or absent protein product due to the creation of a premature termination codon in CNGB3, a gene where loss-of-function variants are known to be pathogenic. Please note: this variant was assessed in the context of healthy population screening.